The following is an entry in ClinVar:

ClinVar aggregate classification (germline): Pathogenic (1 of 4 stars; one submission).

Conditions:
Hereditary breast ovarian cancer syndrome. Also called: Hereditary breast and ovarian cancer syndrome; Hereditary breast and/or ovarian cancer syndrome; Hereditary breast and ovarian cancer; Hereditary breast and ovarian cancer syndrome (HBOC); Breast and ovarian cancer; BRCA1- and BRCA2-Associated Hereditary Breast and Ovarian Cancer. Identifiers: Orphanet 145, MedGen C0677776, MeSH D061325, MONDO:0003582. Disease mechanism: loss of function.

Submission:

Labcorp Genetics (formerly Invitae), Labcorp
Classification: Pathogenic for Hereditary breast ovarian cancer syndrome. Last evaluated: 2024-11-24. Review status: criteria provided, single submitter. Criteria: Invitae Variant Classification Sherloc (09022015). Collection method: clinical testing. Allele origin: germline.
Comment: This sequence change creates a premature translational stop signal (p.His150Cysfs*7) in the BRCA2 gene. It is expected to result in an absent or disrupted protein product. Loss-of-function variants in BRCA2 are known to be pathogenic (PMID: 20104584). This variant is not present in population databases (gnomAD no frequency). This variant has not been reported in the literature in individuals affected with BRCA2-related conditions. For these reasons, this variant has been classified as Pathogenic.

Literature cited by the submitters: PubMed 20104584.

NM_000059.4(BRCA2):c.448_449del (p.His150fs)

Gene: BRCA2 (BRCA2 DNA repair associated; plus strand). Cytogenetic location: 13q13.1.
Variant type: Microsatellite.
Coding change: c.448_449del on transcript NM_000059.4 (MANE Select); coding-DNA positions 448 to 449, 2 bases deleted (CA; older notation c.448_449delCA).
Protein change: p.His150fs; shifts the reading frame from histidine 150.
Molecular consequence: frameshift variant. On other transcripts: non-coding transcript variant (1).
Genome position (GRCh38, 1-based): chr13:32,326,123-32,326,124, CA deleted; deleting any 2 consecutive bases within chr13:32,326,120-32,326,124 gives the same sequence; the c. name uses the placement nearest the transcript's 3' end. VCF-style (leftmost placement, unchanged base first): chr13-32326119-TAC-T. GRCh37 (hg19) VCF-style: chr13-32900256-TAC-T.
Other names: c.448_449del, p.His150fs (NM_001406719.1, NM_001406720.1, NM_001406721.1 and 1 more transcripts); c.79_80del, p.His27fs (NM_001406722.1); short protein forms H27fs, H150fs.
Identifiers: ClinVar variation 3725913 (VCV003725913.2).
Genomic context (GRCh38, chr13:32,326,119, plus strand): 5'-TTTTTTAAAATAACCTAAGGGATTTGCTTTGTTTTATTTTAGTCCTGTTGTTCTACAATG[TAC>T]ACATGTAACACCACAAAGAGATAAGTCAGGTATGATTAAAAACAATGCTTTTTATTCTTA-3'